The following is an entry in ClinVar:

ClinVar aggregate classification (germline): Uncertain significance (1 of 4 stars; one submission).

Allele frequency attached by ClinVar (database versions not stated): gnomAD exomes below 0.00001; gnomAD 0.00001.
gnomAD v4.1: 3 of 1,613,700 alleles (0.00019%); highest among the groups gnomAD compares: South Asian, 0.0011%; no homozygotes.

Submission:

Labcorp Genetics (formerly Invitae), Labcorp
Classification: Uncertain significance. Last evaluated: 2024-05-22. Review status: criteria provided, single submitter. Criteria: Invitae Variant Classification Sherloc (09022015). Collection method: clinical testing. Allele origin: germline.
Comment: This sequence change replaces serine, which is neutral and polar, with leucine, which is neutral and non-polar, at codon 68 of the GNA11 protein (p.Ser68Leu). This variant is not present in population databases (gnomAD no frequency). This variant has not been reported in the literature in individuals affected with GNA11-related conditions. ClinVar contains an entry for this variant (Variation ID: 2185503). Advanced modeling of protein sequence and biophysical properties (such as structural, functional, and spatial information, amino acid conservation, physicochemical variation, residue mobility, and thermodynamic stability) performed at Invitae indicates that this missense variant is not expected to disrupt GNA11 protein function with a negative predictive value of 80%. In summary, the available evidence is currently insufficient to determine the role of this variant in disease. Therefore, it has been classified as a Variant of Uncertain Significance.

NM_002067.5(GNA11):c.203C>T (p.Ser68Leu)

Gene: GNA11 (G protein subunit alpha 11; plus strand). Cytogenetic location: 19p13.3.
Variant type: single nucleotide variant.
Coding change: c.203C>T on transcript NM_002067.5 (MANE Select); coding-DNA position 203, C replaced by T.
Protein change: p.Ser68Leu; replaces serine 68 with leucine.
Molecular consequence: missense variant.
Genome position (GRCh38, 1-based): chr19:3,110,215, C>T. VCF-style: chr19-3110215-C-T. GRCh37 (hg19) VCF-style: chr19-3110213-C-T.
Other names: short protein forms S68L.
Identifiers: ClinVar variation 2185503 (VCV002185503.4), dbSNP rs1913737726, ClinGen allele CA403305496.
Genomic context (GRCh38, chr19:3,110,215, plus strand): 5'-GCGAGAGCGGGAAGAGCACGTTCATCAAGCAGATGCGCATCATCCACGGCGCCGGCTACT[C>T]GGAGGAGGACAAGCGCGGCTTCACCAAGCTCGTCTACCAGAACATCTTCACCGCCATGCA-3'
Protein context (NP_002058.2, residues 58-78): QMRIIHGAGY[Ser68Leu]EEDKRGFTKL